The following is an entry in ClinVar:

ClinVar aggregate classification (germline): Uncertain significance (1 of 4 stars; one submission).

Conditions:
STAT3 gain of function. Identifiers: MedGen C4288261.
Hyper-IgE recurrent infection syndrome 1, autosomal dominant. Also called: JOB SYNDROME; Job's Syndrome; STAT3 Hyper IgE Syndrome; Hyper-IgE recurrent infection syndrome 1; HYPER-IgE SYNDROME 1, AUTOSOMAL DOMINANT, WITH RECURRENT INFECTIONS. Identifiers: Orphanet 2314, MedGen C2936739, MONDO:0007818, OMIM 147060.

gnomAD v4.1: 1 of 1,614,166 alleles (0.000062%); no homozygotes.

Submission:

Labcorp Genetics (formerly Invitae), Labcorp
Classification: Uncertain significance for STAT3 gain of function; Hyper-IgE recurrent infection syndrome 1, autosomal dominant. Last evaluated: 2026-01-24. Review status: criteria provided, single submitter. Criteria: Invitae Variant Classification Sherloc (09022015). Collection method: clinical testing. Allele origin: germline.
Comment: This sequence change falls in intron 20 of the STAT3 gene. It does not directly change the encoded amino acid sequence of the STAT3 protein. It affects a nucleotide within the consensus splice site. This variant is not present in population databases (gnomAD no frequency). This variant has not been reported in the literature in individuals affected with STAT3-related conditions. Variants that disrupt the consensus splice site are a relatively common cause of aberrant splicing (PMID: 17576681, 9536098). Algorithms developed to predict the effect of sequence changes on RNA splicing suggest that this variant is not likely to affect RNA splicing. In summary, the available evidence is currently insufficient to determine the role of this variant in disease. Therefore, it has been classified as a Variant of Uncertain Significance.

Literature cited by the submitters: PubMed 17576681; PubMed 9536098.

NM_139276.3(STAT3):c.1889-3C>T

Gene: STAT3 (signal transducer and activator of transcription 3; minus strand). Cytogenetic location: 17q21.2.
Variant type: single nucleotide variant.
Coding change: c.1889-3C>T on transcript NM_139276.3 (MANE Select); 3 bases into the intron before coding-DNA position 1889, C replaced by T.
Molecular consequence: intron variant.
Genome position (GRCh38, 1-based): chr17:42,322,497, G>A on the plus strand (C>T on the coding strand, the complement: STAT3 is on the minus strand). VCF-style: chr17-42322497-G-A. GRCh37 (hg19) VCF-style: chr17-40474515-G-A.
Other names: c.1793-3C>T (NM_001384989.1); c.1829-3C>T (NM_001384992.1); c.1805-3C>T (NM_001384984.1); c.1889-3C>T (NM_001369519.1, NM_003150.4, NM_001369517.1 and 9 more transcripts); c.1811-3C>T (NM_001384985.1); c.1868-3C>T (NM_001384987.1); c.1862-3C>T (NM_001384991.1); c.1904-3C>T (NM_001384986.1, NM_001384990.1).
Identifiers: ClinVar variation 4783904 (VCV004783904.1).